The following is an entry in ClinVar:

ClinVar aggregate classification (germline): Uncertain significance (1 of 4 stars; one submission).

Conditions:
Inborn genetic diseases. Identifiers: MedGen C0950123, MeSH D030342.

gnomAD v4.1: 4 of 1,608,300 alleles (0.00025%); highest among the groups gnomAD compares: Non-Finnish European, 0.00034%; no homozygotes.

Submission:

Ambry Genetics
Classification: Uncertain significance for Inborn genetic diseases. Last evaluated: 2025-10-07. Review status: criteria provided, single submitter. Criteria: Ambry Variant Classification Scheme 2023. Collection method: clinical testing. Allele origin: germline.
Comment: The c.1581A>C (p.R527S) alteration is located in exon 6 (coding exon 6) of the LRP12 gene. This alteration results from a A to C substitution at nucleotide position 1581, causing the arginine (R) at amino acid position 527 to be replaced by a serine (S). Based on data from gnomAD, the C allele has an overall frequency of <0.001% (1/246560) total alleles studied. The highest observed frequency was 0.001% (1/112394) of European (non-Finnish) alleles. Based on insufficient or conflicting evidence, the clinical significance of this alteration remains unclear.

NM_013437.5(LRP12):c.1581A>C (p.Arg527Ser)

Gene: LRP12 (LDL receptor related protein 12; minus strand). Cytogenetic location: 8q22.3.
Variant type: single nucleotide variant.
Coding change: c.1581A>C on transcript NM_013437.5 (MANE Select); coding-DNA position 1581, A replaced by C.
Protein change: p.Arg527Ser; replaces arginine 527 with serine.
Molecular consequence: missense variant.
Genome position (GRCh38, 1-based): chr8:104,495,209, T>G on the plus strand (A>C on the coding strand, the complement: LRP12 is on the minus strand). VCF-style: chr8-104495209-T-G. GRCh37 (hg19) VCF-style: chr8-105507437-T-G.
Other names: c.1524A>C, p.Arg508Ser (NM_001135703.3); short protein forms R508S, R527S.
Identifiers: ClinVar variation 4623844 (VCV004623844.1).